The following is an entry in ClinVar:

ClinVar aggregate classification (germline): Uncertain significance. Review status: criteria provided, single submitter (1 of 4 stars). 2 submissions from 2 submitters: Uncertain significance (1). 1 of the submissions does not count toward it. Last evaluated 2024-11-10.

Conditions:
ACVR2B-related disorder. Also called: ACVR2B-related condition.
Heterotaxy, visceral, 4, autosomal (HTX4). Identifiers: Orphanet 450, MedGen C3151057, MONDO:0013403, OMIM 613751.

Allele frequency attached by ClinVar (database versions not stated): ExAC 0.00006; TOPMed 0.00006; gnomAD 0.00008; gnomAD exomes 0.00008; ESP Exome Variant Server 0.00015; 1000 Genomes Project 30x 0.00016; 1000 Genomes Project 0.00020.
gnomAD v4.1: 128 of 1,611,350 alleles (0.0079%); highest among the groups gnomAD compares: Non-Finnish European, 0.0097%; no homozygotes.

Submissions (2):

Labcorp Genetics (formerly Invitae), Labcorp
Classification: Uncertain significance for Heterotaxy, visceral, 4, autosomal. Last evaluated: 2024-11-10. Review status: criteria provided, single submitter. Criteria: Invitae Variant Classification Sherloc (09022015). Collection method: clinical testing. Allele origin: germline.
Comment: This sequence change falls in intron 3 of the ACVR2B gene. It does not directly change the encoded amino acid sequence of the ACVR2B protein. It affects a nucleotide within the consensus splice site. This variant is present in population databases (rs368433716, gnomAD 0.01%). This variant has not been reported in the literature in individuals affected with ACVR2B-related conditions. ClinVar contains an entry for this variant (Variation ID: 3049950). Variants that disrupt the consensus splice site are a relatively common cause of aberrant splicing (PMID: 17576681, 9536098). Algorithms developed to predict the effect of sequence changes on RNA splicing suggest that this variant is not likely to affect RNA splicing. In summary, the available evidence is currently insufficient to determine the role of this variant in disease. Therefore, it has been classified as a Variant of Uncertain Significance.

PreventionGenetics, part of Exact Sciences
Classification: Likely benign for ACVR2B-related condition. Last evaluated: 2019-07-23. Review status: no assertion criteria provided. Collection method: clinical testing. Allele origin: germline. Not counted in ClinVar's aggregate classification.
Comment: This variant is classified as likely benign based on ACMG/AMP sequence variant interpretation guidelines (Richards et al. 2015 PMID: 25741868, with internal and published modifications).

Literature cited by the submitters: PubMed 17576681 (cited by Labcorp Genetics (formerly Invitae), Labcorp); PubMed 9536098 (cited by Labcorp Genetics (formerly Invitae), Labcorp).

NM_001106.4(ACVR2B):c.371-3C>T

Gene: ACVR2B (activin A receptor type 2B; plus strand). Cytogenetic location: 3p22.2.
Variant type: single nucleotide variant.
Coding change: c.371-3C>T on transcript NM_001106.4 (MANE Select); 3 bases into the intron before coding-DNA position 371, C replaced by T.
Molecular consequence: intron variant.
Genome position (GRCh38, 1-based): chr3:38,478,138, C>T. VCF-style: chr3-38478138-C-T. GRCh37 (hg19) VCF-style: chr3-38519629-C-T.
Identifiers: ClinVar variation 3049950 (VCV003049950.4), dbSNP rs368433716, ClinGen allele CA2318798.